The following is an entry in ClinVar:

NM_014856.3(DENND4B):c.371C>T (p.Thr124Met)

Gene: DENND4B (DENN domain containing 4B; minus strand). Cytogenetic location: 1q21.3.
Variant type: single nucleotide variant.
Coding change: c.371C>T on transcript NM_014856.3 (MANE Select); coding-DNA position 371, C replaced by T.
Protein change: p.Thr124Met; replaces threonine 124 with methionine.
Molecular consequence: missense variant.
Genome position (GRCh38, 1-based): chr1:153,943,077, G>A on the plus strand (C>T on the coding strand, the complement: DENND4B is on the minus strand). VCF-style: chr1-153943077-G-A. GRCh37 (hg19) VCF-style: chr1-153915553-G-A.
Other names: c.404C>T, p.Thr135Met (NM_001367466.1); short protein forms T135M, T124M.
Identifiers: ClinVar variation 2371083 (VCV002371083.6), dbSNP rs200665404, ClinGen allele CA1121983.

ClinVar aggregate classification (germline): Uncertain significance. Review status: criteria provided, single submitter (1 of 4 stars). 2 submissions from 2 submitters: Uncertain significance (1). 1 of the submissions does not count toward it. Last evaluated 2024-08-01.

Conditions:
DENND4B-related disorder. Also called: DENND4B-related condition.

Allele frequency attached by ClinVar (database versions not stated): gnomAD 0.00001; TOPMed 0.00002; ESP Exome Variant Server 0.00008.
gnomAD v4.1: 34 of 1,613,866 alleles (0.0021%); highest among the groups gnomAD compares: Non-Finnish European, 0.0028%; no homozygotes.

Submissions (2):

Ambry Genetics
Classification: Uncertain significance. Last evaluated: 2024-08-01. Review status: criteria provided, single submitter. Criteria: Ambry Variant Classification Scheme 2023. Collection method: clinical testing. Allele origin: germline.

PreventionGenetics, part of Exact Sciences
Classification: Uncertain significance for DENND4B-related condition. Last evaluated: 2023-11-26. Review status: no assertion criteria provided. Collection method: clinical testing. Allele origin: germline. Not counted in ClinVar's aggregate classification.
Comment: The DENND4B c.371C>T variant is predicted to result in the amino acid substitution p.Thr124Met. To our knowledge, this variant has not been reported in the literature. This variant is reported in 0.0065% of alleles in individuals of African descent in gnomAD. At this time, the clinical significance of this variant is uncertain due to the absence of conclusive functional and genetic evidence.